The following is an entry in ClinVar:

NM_003924.4(PHOX2B):c.523A>C (p.Lys175Gln)

Gene: PHOX2B (paired like homeobox 2B; minus strand). Cytogenetic location: 4p13.
Variant type: single nucleotide variant.
Coding change: c.523A>C on transcript NM_003924.4 (MANE Select); coding-DNA position 523, A replaced by C.
Protein change: p.Lys175Gln; replaces lysine 175 with glutamine.
Molecular consequence: missense variant.
Genome position (GRCh38, 1-based): chr4:41,746,229, T>G on the plus strand (A>C on the coding strand, the complement: PHOX2B is on the minus strand). VCF-style: chr4-41746229-T-G. GRCh37 (hg19) VCF-style: chr4-41748246-T-G.
Other names: short protein forms K175Q.
Identifiers: ClinVar variation 2839769 (VCV002839769.3), dbSNP rs2552096888, ClinGen allele CA356738365.

ClinVar aggregate classification (germline): Uncertain significance (1 of 4 stars; one submission).

Conditions:
Haddad syndrome (OHD). Also called: Ondine-Hirschsprung disease. Identifiers: Orphanet 99803, MedGen C1859049, MONDO:0020493.

Submission:

Labcorp Genetics (formerly Invitae), Labcorp
Classification: Uncertain significance for Haddad syndrome. Last evaluated: 2023-09-26. Review status: criteria provided, single submitter. Criteria: Invitae Variant Classification Sherloc (09022015). Collection method: clinical testing. Allele origin: germline.
Comment: This variant is not present in population databases (gnomAD no frequency). In summary, the available evidence is currently insufficient to determine the role of this variant in disease. Therefore, it has been classified as a Variant of Uncertain Significance. Advanced modeling of protein sequence and biophysical properties (such as structural, functional, and spatial information, amino acid conservation, physicochemical variation, residue mobility, and thermodynamic stability) performed at Invitae indicates that this missense variant is not expected to disrupt PHOX2B protein function. This variant has not been reported in the literature in individuals affected with PHOX2B-related conditions. This sequence change replaces lysine, which is basic and polar, with glutamine, which is neutral and polar, at codon 175 of the PHOX2B protein (p.Lys175Gln).